The following is an entry in ClinVar:

ClinVar aggregate classification (germline): Pathogenic/Likely pathogenic. Review status: criteria provided, multiple submitters, no conflicts (2 of 4 stars). 4 submissions from 4 submitters: Pathogenic (3); Likely pathogenic (1). Last evaluated 2026-08-27.

Conditions:
APOC2-related disorder. Also called: APOC2-related condition.
Cardiovascular phenotype. Identifiers: MedGen CN230736.

Submissions (4):

PreventionGenetics, part of Exact Sciences
Classification: Likely pathogenic for APOC2-related condition. Last evaluated: 2026-08-27. Review status: criteria provided, single submitter. Criteria: ACMG Guidelines, 2015. Collection method: clinical testing. Allele origin: germline.
Comment: The APOC2 c.196_197delGC variant is predicted to result in a frameshift and premature protein termination (p.Ala66Cysfs*3). To our knowledge, this variant has not been reported in the literature. This variant is reported in 0.12% of alleles in individuals of Latino descent in gnomAD. Frameshift variants in APOC2 are expected to be pathogenic. This variant is interpreted as likely pathogenic.

Labcorp Genetics (formerly Invitae), Labcorp
Classification: Pathogenic. Last evaluated: 2025-12-31. Review status: criteria provided, single submitter. Criteria: Invitae Variant Classification Sherloc (09022015). Collection method: clinical testing. Allele origin: germline.
Comment: This sequence change creates a premature translational stop signal (p.Ala66Cysfs*3) in the APOC2 gene. While this is not anticipated to result in nonsense mediated decay, it is expected to disrupt the last 36 amino acid(s) of the APOC2 protein. The frequency data for this variant in the population databases is considered unreliable, as metrics indicate poor data quality at this position in the gnomAD database. This variant has not been reported in the literature in individuals affected with APOC2-related conditions. ClinVar contains an entry for this variant (Variation ID: 280159). Algorithms developed to predict the effect of sequence changes on RNA splicing suggest that this variant may disrupt the consensus splice site. This variant disrupts a region of the APOC2 protein in which other variant(s) (p.Tyr85*) have been determined to be pathogenic (PMID: 12783430). This suggests that this is a clinically significant region of the protein, and that variants that disrupt it are likely to be disease-causing. For these reasons, this variant has been classified as Pathogenic.

Ambry Genetics
Classification: Pathogenic for Cardiovascular phenotype. Last evaluated: 2021-08-19. Review status: criteria provided, single submitter. Criteria: Ambry Variant Classification Scheme 2023. Collection method: clinical testing. Allele origin: germline.
Comment: The c.196_197delGC pathogenic mutation, located in coding exon 2 of the APOC2 gene, results from a deletion of two nucleotides at nucleotide positions 196 to 197, causing a translational frameshift with a predicted alternate stop codon (p.A66Cfs*3). This alteration is expected to result in loss of function by premature protein truncation or nonsense-mediated mRNA decay. As such, this alteration is interpreted as a disease-causing mutation.

GeneDx
Classification: Pathogenic. Last evaluated: 2015-12-04. Review status: criteria provided, single submitter. Criteria: GeneDx Variant Classification (06012015). Collection method: clinical testing. Allele origin: germline. Affected: yes.
Comment: The c.196_197delGC variant in the APOC2 gene has not been reported previously as a pathogenic variant nor as a benign variant, to our knowledge. The c.196_197delGC variant causes a frameshift starting with codon Alanine 66, changes this amino acid to a Cysteine residue, and creates a premature Stop codon at position 3 of the new reading frame, denoted p.Ala66CysfsX3. This variant is predicted to cause loss of normal protein function through protein truncation. The c.196_197delGC variant was not observed in approximately 6,500 individuals of European and African American ancestry in the NHLBI Exome Sequencing Project, indicating it is not a common benign variant in these populations. We interpret c.196_197delGC as a pathogenic variant.

Literature cited by the submitters: PubMed 12783430 (cited by Labcorp Genetics (formerly Invitae), Labcorp).

NM_000483.5(APOC2):c.196_197del (p.Ala66fs)

Genes: APOC2 (apolipoprotein C2; plus strand), APOC4-APOC2 (APOC4-APOC2 readthrough (NMD candidate); plus strand). Cytogenetic location: 19q13.32.
Variant type: Deletion.
Coding change: c.196_197del on transcript NM_000483.5 (MANE Select); coding-DNA positions 196 to 197, 2 bases deleted (GC; older notation c.196_197delGC).
Protein change: p.Ala66fs; shifts the reading frame from alanine 66.
Molecular consequence: frameshift variant. On other transcripts: non-coding transcript variant (1).
Genome position (GRCh38, 1-based): chr19:44,948,841-44,948,842, GC deleted; deleting any 2 consecutive bases within chr19:44,948,840-44,948,842 gives the same sequence; the c. name uses the placement nearest the transcript's 3' end. VCF-style (leftmost placement, unchanged base first): chr19-44948839-CCG-C. GRCh37 (hg19) VCF-style: chr19-45452096-CCG-C.
Other names: short protein forms A66fs.
Identifiers: ClinVar variation 280159 (VCV000280159.6), dbSNP rs751214954, ClinGen allele CA9506617.